The following is an entry in ClinVar:

NM_030632.3(ASXL3):c.355+1G>A

Gene: ASXL3 (ASXL transcriptional regulator 3; plus strand). Cytogenetic location: 18q12.1.
Variant type: single nucleotide variant.
Coding change: c.355+1G>A on transcript NM_030632.3 (MANE Select); the canonical splice donor site of the intron after coding-DNA position 355, G replaced by A.
Molecular consequence: splice donor variant.
Genome position (GRCh38, 1-based): chr18:33,646,354, G>A. VCF-style: chr18-33646354-G-A. GRCh37 (hg19) VCF-style: chr18-31226318-G-A.
Identifiers: ClinVar variation 3381943 (VCV003381943.2).

ClinVar aggregate classification (germline): Likely pathogenic (1 of 4 stars; one submission).

Conditions:
Bainbridge-Ropers syndrome. Also called: Severe feeding difficulties-failure to thrive-microcephaly due to ASXL3 deficiency syndrome. Identifiers: Orphanet 352577, MedGen C4750837, MONDO:0014205, OMIM 615485.

Submission:

Juno Genomics, Hangzhou Juno Genomics, Inc
Classification: Likely pathogenic for Bainbridge-Ropers syndrome. Review status: criteria provided, single submitter. Criteria: ACMG Guidelines, 2015. Collection method: clinical testing. Allele origin: germline. Affected: yes.
Comment: Absent from controls (or at extremely low frequency if recessive) in Genome Aggregation Database, Exome Sequencing Project, 1000 Genomes Project, or Exome Aggregation Consortium.;Null variant in a gene where loss of function (LOF) is a known mechanism of disease.